The following is an entry in ClinVar:

NM_001242896.3(DEPDC5):c.3868C>T (p.Gln1290Ter)

Gene: DEPDC5 (DEP domain containing 5, GATOR1 subcomplex subunit; plus strand). Cytogenetic location: 22q12.3.
Variant type: single nucleotide variant.
Coding change: c.3868C>T on transcript NM_001242896.3 (MANE Select); coding-DNA position 3868, C replaced by T.
Protein change: p.Gln1290Ter; replaces glutamine 1290 with a stop codon.
Molecular consequence: nonsense. On other transcripts: non-coding transcript variant (5).
Genome position (GRCh38, 1-based): chr22:31,879,587, C>T. VCF-style: chr22-31879587-C-T. GRCh37 (hg19) VCF-style: chr22-32275573-C-T.
Other names: c.3841C>T, p.Gln1281Ter (NM_001136029.4); c.3568C>T, p.Gln1190Ter (NM_001242897.2); c.3802C>T, p.Gln1268Ter (NM_001363852.2, NM_001364320.2); c.3634C>T, p.Gln1212Ter (NM_001363854.2, NM_001364319.2); c.3868C>T, p.Gln1290Ter (NM_001364318.2); c.3784C>T, p.Gln1262Ter (NM_001369901.1, NM_001369902.1); c.3775C>T, p.Gln1259Ter (NM_001369903.1, NM_014662.6); short protein forms Q1290*, Q1190*, Q1212*, Q1259*, Q1268*, Q1281*, Q1262*.
Identifiers: ClinVar variation 575135 (VCV000575135.9), dbSNP rs1569186093, ClinGen allele CA411281977.

ClinVar aggregate classification (germline): Pathogenic (1 of 4 stars; one submission).

Conditions:
Familial focal epilepsy with variable foci (FPEVF). Identifiers: Orphanet 98820, MedGen C1858477, MONDO:0020310.

Submission:

Labcorp Genetics (formerly Invitae), Labcorp
Classification: Pathogenic for Familial focal epilepsy with variable foci. Last evaluated: 2024-12-03. Review status: criteria provided, single submitter. Criteria: Invitae Variant Classification Sherloc (09022015). Collection method: clinical testing. Allele origin: germline.
Comment: This sequence change creates a premature translational stop signal (p.Gln1290*) in the DEPDC5 gene. It is expected to result in an absent or disrupted protein product. Loss-of-function variants in DEPDC5 are known to be pathogenic (PMID: 23542697, 23542701). This variant is not present in population databases (gnomAD no frequency). This variant has not been reported in the literature in individuals affected with DEPDC5-related conditions. ClinVar contains an entry for this variant (Variation ID: 575135). For these reasons, this variant has been classified as Pathogenic.

Literature cited by the submitters: PubMed 23542697; PubMed 23542701.